The following is an entry in ClinVar:

ClinVar aggregate classification (germline): Uncertain significance (1 of 4 stars; one submission).

Allele frequency attached by ClinVar (database versions not stated): gnomAD 0.00001; ESP Exome Variant Server 0.00008; gnomAD exomes 0.00001; TOPMed 0.00001.
gnomAD v4.1: 50 of 1,613,862 alleles (0.0031%); highest among the groups gnomAD compares: Non-Finnish European, 0.0042%; no homozygotes.

Submission:

Labcorp Genetics (formerly Invitae), Labcorp
Classification: Uncertain significance. Last evaluated: 2022-02-04. Review status: criteria provided, single submitter. Criteria: Invitae Variant Classification Sherloc (09022015). Collection method: clinical testing. Allele origin: germline.
Comment: This sequence change replaces asparagine, which is neutral and polar, with aspartic acid, which is acidic and polar, at codon 463 of the LRP2 protein (p.Asn463Asp). This variant is present in population databases (rs367564771, gnomAD 0.002%). This variant has not been reported in the literature in individuals affected with LRP2-related conditions. Advanced modeling of protein sequence and biophysical properties (such as structural, functional, and spatial information, amino acid conservation, physicochemical variation, residue mobility, and thermodynamic stability) performed at Invitae indicates that this missense variant is not expected to disrupt LRP2 protein function. In summary, the available evidence is currently insufficient to determine the role of this variant in disease. Therefore, it has been classified as a Variant of Uncertain Significance.

NM_004525.3(LRP2):c.1387A>G (p.Asn463Asp)

Gene: LRP2 (LDL receptor related protein 2; minus strand). Cytogenetic location: 2q31.1.
Variant type: single nucleotide variant.
Coding change: c.1387A>G on transcript NM_004525.3 (MANE Select); coding-DNA position 1387, A replaced by G.
Protein change: p.Asn463Asp; replaces asparagine 463 with aspartic acid.
Molecular consequence: missense variant.
Genome position (GRCh38, 1-based): chr2:169,279,550, T>C on the plus strand (A>G on the coding strand, the complement: LRP2 is on the minus strand). VCF-style: chr2-169279550-T-C. GRCh37 (hg19) VCF-style: chr2-170136060-T-C.
Other names: short protein forms N463D.
Identifiers: ClinVar variation 1478383 (VCV001478383.5), dbSNP rs367564771, ClinGen allele CA59929683.
Genomic context (GRCh38, chr2:169,279,550, plus strand): 5'-GATAGATTTTATTATTAACCCAGTCCACAGCCAGGTTCTCTGGGGTTTCAACAGAAACAT[T>C]GAGAACCTCTTGGATATTTAAACCATTAATGTCAACTGAAAAAACCTGAAAGAAAAACCA-3'
Protein context (NP_004516.2, residues 453-473): INGLNIQEVL[Asn463Asp]VSVETPENLA